The following is an entry in ClinVar:

NM_005546.4(ITK):c.370T>C (p.Phe124Leu)

Gene: ITK (IL2 inducible T cell kinase; plus strand). Cytogenetic location: 5q33.3.
Variant type: single nucleotide variant.
Coding change: c.370T>C on transcript NM_005546.4 (MANE Select); coding-DNA position 370, T replaced by C.
Protein change: p.Phe124Leu; replaces phenylalanine 124 with leucine.
Molecular consequence: missense variant.
Genome position (GRCh38, 1-based): chr5:157,214,235, T>C. VCF-style: chr5-157214235-T-C. GRCh37 (hg19) VCF-style: chr5-156641246-T-C.
Other names: short protein forms F124L.
Identifiers: ClinVar variation 2004774 (VCV002004774.4), dbSNP rs2480559781, ClinGen allele CA361950931.

ClinVar aggregate classification (germline): Uncertain significance (1 of 4 stars; one submission).

Conditions:
Lymphoproliferative syndrome 1 (LPFS1). Identifiers: Orphanet 238505, Orphanet 538963, MedGen C3552634, MONDO:0013081, OMIM 613011.

Submission:

Labcorp Genetics (formerly Invitae), Labcorp
Classification: Uncertain significance for Lymphoproliferative syndrome 1. Last evaluated: 2022-06-11. Review status: criteria provided, single submitter. Criteria: Invitae Variant Classification Sherloc (09022015). Collection method: clinical testing. Allele origin: germline.
Comment: In summary, the available evidence is currently insufficient to determine the role of this variant in disease. Therefore, it has been classified as a Variant of Uncertain Significance. Advanced modeling of protein sequence and biophysical properties (such as structural, functional, and spatial information, amino acid conservation, physicochemical variation, residue mobility, and thermodynamic stability) performed at Invitae indicates that this missense variant is not expected to disrupt ITK protein function. This variant has not been reported in the literature in individuals affected with ITK-related conditions. This variant is not present in population databases (gnomAD no frequency). This sequence change replaces phenylalanine, which is neutral and non-polar, with leucine, which is neutral and non-polar, at codon 124 of the ITK protein (p.Phe124Leu).